The following is an entry in ClinVar:

ClinVar aggregate classification (germline): Pathogenic (1 of 4 stars; one submission).

Conditions:
Cranioectodermal dysplasia 2 (CED2). Identifiers: Orphanet 1515, MedGen C3150874, MONDO:0013323, OMIM 613610.
Short-rib thoracic dysplasia 7 with or without polydactyly (SRTD7). Also called: Short rib polydactyly syndrome 5; SHORT-RIB THORACIC DYSPLASIA 7 WITH POLYDACTYLY. Identifiers: Orphanet 498497, Orphanet 93271, MedGen C3279792, MONDO:0013569, OMIM 614091.

Submission:

Labcorp Genetics (formerly Invitae), Labcorp
Classification: Pathogenic for Cranioectodermal dysplasia 2; Short-rib thoracic dysplasia 7 with or without polydactyly. Last evaluated: 2023-10-09. Review status: criteria provided, single submitter. Criteria: Invitae Variant Classification Sherloc (09022015). Collection method: clinical testing. Allele origin: germline.
Comment: This sequence change creates a premature translational stop signal (p.Ser59Phefs*7) in the WDR35 gene. It is expected to result in an absent or disrupted protein product. Loss-of-function variants in WDR35 are known to be pathogenic (PMID: 22486404, 29068549). This variant is not present in population databases (gnomAD no frequency). This variant has not been reported in the literature in individuals affected with WDR35-related conditions. For these reasons, this variant has been classified as Pathogenic.

Literature cited by the submitters: PubMed 22486404; PubMed 29068549.

NM_020779.4(WDR35):c.171_178del (p.Ser59fs)

Gene: WDR35 (WD repeat domain 35; minus strand). Cytogenetic location: 2p24.1.
Variant type: Deletion.
Coding change: c.171_178del on transcript NM_020779.4 (MANE Select); coding-DNA positions 171 to 178, 8 bases deleted (CCCCAGTA; older notation c.171_178delCCCCAGTA).
Protein change: p.Ser59fs; shifts the reading frame from serine 59.
Molecular consequence: frameshift variant.
Genome position (GRCh38, 1-based): chr2:19,982,499-19,982,506, TACTGGGG deleted on the plus strand (CCCCAGTA on the coding strand, the reverse complement: WDR35 is on the minus strand). VCF-style (leftmost placement, unchanged base first): chr2-19982498-TTACTGGGG-T. GRCh37 (hg19) VCF-style: chr2-20182259-TTACTGGGG-T.
Other names: c.171_178del, p.Ser59fs (NM_001006657.2); short protein forms S59fs.
Identifiers: ClinVar variation 2952744 (VCV002952744.3), dbSNP rs2527652567, ClinGen allele CA2740092738.
Genomic context (GRCh38, chr2:19,982,498, plus strand): 5'-ACTTAAAAGAAATTGAATGACTCACCACTATGACCTTCAAGAGTCTGATTCATAGAAAGG[TTACTGGGG>T]GCTGCAAGGCCCCTCAATTTTGCATCATCTAAAACAAAACAAAACAAACTACTATGATAA-3'